The following is an entry in ClinVar:

ClinVar aggregate classification (germline): Likely benign (0 of 4 stars; one submission).

Conditions:
PTPRS-related disorder. Also called: PTPRS-related condition.

Allele frequency attached by ClinVar (database versions not stated): ESP Exome Variant Server 0.00008; TOPMed 0.00009.
gnomAD v4.1: 203 of 1,610,310 alleles (0.013%); highest among the groups gnomAD compares: South Asian, 0.12%; 2 homozygotes.

Submission:

PreventionGenetics, part of Exact Sciences
Classification: Likely benign for PTPRS-related condition. Last evaluated: 2019-12-03. Review status: no assertion criteria provided. Collection method: clinical testing. Allele origin: germline.
Comment: This variant is classified as likely benign based on ACMG/AMP sequence variant interpretation guidelines (Richards et al. 2015 PMID: 25741868, with internal and published modifications).

NM_002850.4(PTPRS):c.1932G>A (p.Pro644=)

Gene: PTPRS (protein tyrosine phosphatase receptor type S; minus strand). Cytogenetic location: 19p13.3.
Variant type: single nucleotide variant.
Coding change: c.1932G>A on transcript NM_002850.4 (MANE Select); coding-DNA position 1932, G replaced by A.
Protein change: p.Pro644=; no amino-acid change (proline 644 retained).
Molecular consequence: synonymous variant. On other transcripts: intron variant (2).
Genome position (GRCh38, 1-based): chr19:5,231,533, C>T on the plus strand (G>A on the coding strand, the complement: PTPRS is on the minus strand). VCF-style: chr19-5231533-C-T. GRCh37 (hg19) VCF-style: chr19-5231544-C-T.
Other names: c.1893G>A, p.Pro631= (NM_001394011.1, NM_001394012.1, NM_001394013.1 and 1 more transcripts); c.1810+7386G>A (NM_130853.3); c.1822+7386G>A (NM_130855.3).
Identifiers: ClinVar variation 3048836 (VCV003048836.2), dbSNP rs148862245, ClinGen allele CA9110140.
Genomic context (GRCh38, chr19:5,231,533, plus strand): 5'-CTCTGAGCCCAGCGGTCGGTAGCGGACGCTGTAGCCCACCAGGGCCCCGTTGTGCGTTTC[C>T]GGCGGCGGCGGGCGCCAACTTACCAAAATGGCCGTGGAGCGCACGCTGACACATTTAACG-3'
Protein context (NP_002841.3, residues 634-654): AILVSWRPPP[Pro644=]ETHNGALVGY